The following is an entry in ClinVar:

NM_003628.6(PKP4):c.1943T>C (p.Val648Ala)

Gene: PKP4 (plakophilin 4; plus strand). Cytogenetic location: 2q24.1.
Variant type: single nucleotide variant.
Coding change: c.1943T>C on transcript NM_003628.6 (MANE Select); coding-DNA position 1943, T replaced by C.
Protein change: p.Val648Ala; replaces valine 648 with alanine.
Molecular consequence: missense variant.
Genome position (GRCh38, 1-based): chr2:158,658,164, T>C. VCF-style: chr2-158658164-T-C. GRCh37 (hg19) VCF-style: chr2-159514676-T-C.
Other names: c.1943T>C, p.Val648Ala (NM_001005476.4, NM_001304971.2, NM_001377218.1 and 1 more transcripts); c.1940T>C, p.Val647Ala (NM_001304969.3, NM_001377219.1, NM_001377220.1 and 2 more transcripts); c.914T>C, p.Val305Ala (NM_001304970.3); c.1937T>C, p.Val646Ala (NM_001377222.1, NM_001377223.1); c.1934T>C, p.Val645Ala (NM_001377224.1); short protein forms V645A, V305A, V646A, V647A, V648A.
Identifiers: ClinVar variation 1783095 (VCV001783095.2), dbSNP rs1187330813, ClinGen allele CA348901164.
Genomic context (GRCh38, chr2:158,658,164, plus strand): 5'-TTTGATTTTTTAAATCTCCTTTTTTAGGAGTTCTTTGGAATTTATCCTCATGTGATGCTG[T>C]AAAAATGACAATCATTCGAGATGCTCTCTCAACCTTAACAAACACTGTGATTGTTCCACA-3'
Protein context (NP_003619.2, residues 638-658): VLWNLSSCDA[Val648Ala]KMTIIRDALS

ClinVar aggregate classification (germline): Uncertain significance (1 of 4 stars; one submission).

Allele frequency attached by ClinVar (database versions not stated): gnomAD exomes below 0.00001.
gnomAD v4.1: 4 of 1,607,048 alleles (0.00025%); highest among the groups gnomAD compares: Non-Finnish European, 0.00034%; no homozygotes.

Submission:

Ambry Genetics
Classification: Uncertain significance. Last evaluated: 2022-04-25. Review status: criteria provided, single submitter. Criteria: Ambry Variant Classification Scheme 2023. Collection method: clinical testing. Allele origin: germline.
Comment: The p.V648A variant (also known as c.1943T>C), located in coding exon 11 of the PKP4 gene, results from a T to C substitution at nucleotide position 1943. The valine at codon 648 is replaced by alanine, an amino acid with similar properties. This amino acid position is conserved. In addition, the in silico prediction for this alteration is inconclusive. Since supporting evidence is limited at this time, the clinical significance of this alteration remains unclear.